The following is an entry in ClinVar:

ClinVar aggregate classification (germline): Pathogenic. Review status: criteria provided, single submitter (1 of 4 stars). 2 submissions from 2 submitters: Pathogenic (1). 1 of the submissions does not count toward it. Last evaluated 2024-02-29.

Conditions:
Retinitis pigmentosa 39 (RP39). Identifiers: Orphanet 791, MedGen C3151138, MONDO:0013436, OMIM 613809.
Usher syndrome type 2A. Also called: RETINAL DISEASE IN USHER SYNDROME TYPE IIA, MODIFIER OF; USHER SYNDROME, TYPE IIA. Identifiers: Orphanet 231178, Orphanet 886, MedGen C1848634, MONDO:0010169, OMIM 276901.

Submissions (2):

Labcorp Genetics (formerly Invitae), Labcorp
Classification: Pathogenic. Last evaluated: 2024-02-29. Review status: criteria provided, single submitter. Criteria: Invitae Variant Classification Sherloc (09022015). Collection method: clinical testing. Allele origin: germline.
Comment: This sequence change creates a premature translational stop signal (p.Asp2237Tyrfs*39) in the USH2A gene. It is expected to result in an absent or disrupted protein product. Loss-of-function variants in USH2A are known to be pathogenic (PMID: 10729113, 10909849, 20507924, 25649381). This variant is not present in population databases (gnomAD no frequency). This variant has not been reported in the literature in individuals affected with USH2A-related conditions. ClinVar contains an entry for this variant (Variation ID: 557372). For these reasons, this variant has been classified as Pathogenic.

Counsyl
Classification: Likely pathogenic for Usher syndrome type 2A; Retinitis pigmentosa 39. Last evaluated: 2018-03-20. Review status: no assertion criteria provided. Collection method: clinical testing. Allele origin: unknown. Not counted in ClinVar's aggregate classification.

Literature cited by the submitters: PubMed 10729113 (cited by Labcorp Genetics (formerly Invitae), Labcorp); PubMed 10909849 (cited by Labcorp Genetics (formerly Invitae), Labcorp); PubMed 20507924 (cited by Labcorp Genetics (formerly Invitae), Labcorp); PubMed 25649381 (cited by Labcorp Genetics (formerly Invitae), Labcorp).

NM_206933.4(USH2A):c.6708_6717del (p.Asp2237fs)

Gene: USH2A (usherin; minus strand). Cytogenetic location: 1q41.
Variant type: Deletion.
Coding change: c.6708_6717del on transcript NM_206933.4 (MANE Select); coding-DNA positions 6708 to 6717, 10 bases deleted (TGACGAGGAC; older notation c.6708_6717delTGACGAGGAC).
Protein change: p.Asp2237fs; shifts the reading frame from aspartic acid 2237.
Molecular consequence: frameshift variant.
Genome position (GRCh38, 1-based): chr1:215,993,108-215,993,117, GTCCTCGTCA deleted on the plus strand (TGACGAGGAC on the coding strand, the reverse complement: USH2A is on the minus strand); deleting any 10 consecutive bases within chr1:215,993,108-215,993,119 gives the same sequence; the c. name uses the placement nearest the transcript's 3' end. VCF-style (leftmost placement, unchanged base first): chr1-215993107-TGTCCTCGTCA-T. GRCh37 (hg19) VCF-style: chr1-216166449-TGTCCTCGTCA-T.
Other names: short protein forms D2237fs.
Identifiers: ClinVar variation 557372 (VCV000557372.4), dbSNP rs1553285944, ClinGen allele CA658821167.
Genomic context (GRCh38, chr1:215,993,107, plus strand): 5'-AGACATTAAAGGAGTCAGGTGAATATGAGTGGGCTTTGGGGGCTGGCACGCCTTCGGGTA[TGTCCTCGTCA>T]GTTAGGGCCTCACTGGCCTCACTCACTGTGCACCCACCACCTGTGCAAGCCTAAACAGAG-3'